The following is an entry in ClinVar:

ClinVar aggregate classification (germline): Conflicting classifications of pathogenicity. Review status: criteria provided, conflicting classifications (1 of 4 stars). 2 submissions from 2 submitters: Uncertain significance (1); Likely benign (1). Last evaluated 2024-12-30.

Conditions:
Cardiovascular phenotype. Identifiers: MedGen CN230736.
ABCG8-related disorder. Also called: ABCG8-related condition.

gnomAD v4.1: 1 of 1,612,950 alleles (0.000062%); highest among the groups gnomAD compares: Non-Finnish European, 0.000085%; no homozygotes.

Submissions (2):

Ambry Genetics
Classification: Uncertain significance for Cardiovascular phenotype. Last evaluated: 2024-12-30. Review status: criteria provided, single submitter. Criteria: Ambry Variant Classification Scheme 2023. Collection method: clinical testing. Allele origin: germline.
Comment: The c.1211+4A>G intronic variant results from an A to G substitution 4 nucleotides after coding exon 8 in the ABCG8 gene. This nucleotide position is highly conserved in available vertebrate species. In silico splice site analysis predicts that this alteration will not have any significant effect on splicing. Based on the available evidence, the clinical significance of this variant remains unclear.

PreventionGenetics, part of Exact Sciences
Classification: Likely benign for ABCG8-related condition. Last evaluated: 2024-12-27. Review status: criteria provided, single submitter. Criteria: ACMG Guidelines, 2015. Collection method: clinical testing. Allele origin: germline.
Comment: This variant is classified as likely benign based on ACMG/AMP sequence variant interpretation guidelines (Richards et al. 2015 PMID: 25741868, with internal and published modifications).

NM_022437.3(ABCG8):c.1211+4A>G

Gene: ABCG8 (ATP binding cassette subfamily G member 8; plus strand). Cytogenetic location: 2p21.
Variant type: single nucleotide variant.
Coding change: c.1211+4A>G on transcript NM_022437.3 (MANE Select); 4 bases into the intron after coding-DNA position 1211, A replaced by G.
Molecular consequence: intron variant.
Genome position (GRCh38, 1-based): chr2:43,872,310, A>G. VCF-style: chr2-43872310-A-G. GRCh37 (hg19) VCF-style: chr2-44099449-A-G.
Other names: c.1208+4A>G (NM_001357321.2).
Identifiers: ClinVar variation 3889462 (VCV003889462.2).
Genomic context (GRCh38, chr2:43,872,310, plus strand): 5'-CCTCCCGAGTCCTACGAAGATGCCTGGGGCGGTGCAGCAGTTTACGACGCTGATCCGGTA[A>G]TTATCTGTCATTTTATTACTGAACCCGCCCCCCTGCCCAAGTCTTTGTATATCACATTAA-3'